The following is an entry in ClinVar:

ClinVar aggregate classification (germline): Uncertain significance. Review status: criteria provided, multiple submitters, no conflicts (2 of 4 stars). 2 submissions from 2 submitters: Uncertain significance (2). Last evaluated 2025-02-01.

Allele frequency attached by ClinVar (database versions not stated): ExAC 0.00001.

Submissions (2):

Ambry Genetics
Classification: Uncertain significance. Last evaluated: 2025-02-01. Review status: criteria provided, single submitter. Criteria: Ambry Variant Classification Scheme 2023. Collection method: clinical testing. Allele origin: germline.
Comment: The p.R350G variant (also known as c.1048C>G), located in coding exon 10 of the SRP72 gene, results from a C to G substitution at nucleotide position 1048. The arginine at codon 350 is replaced by glycine, an amino acid with dissimilar properties. This amino acid position is conserved. In addition, the in silico prediction for this alteration is inconclusive. Based on the available evidence, the clinical significance of this variant remains unclear.

Labcorp Genetics (formerly Invitae), Labcorp
Classification: Uncertain significance. Last evaluated: 2024-05-07. Review status: criteria provided, single submitter. Criteria: Invitae Variant Classification Sherloc (09022015). Collection method: clinical testing. Allele origin: germline.
Comment: This sequence change replaces arginine, which is basic and polar, with glycine, which is neutral and non-polar, at codon 350 of the SRP72 protein (p.Arg350Gly). This variant is present in population databases (rs770251024, gnomAD 0.002%). This variant has not been reported in the literature in individuals affected with SRP72-related conditions. Advanced modeling of protein sequence and biophysical properties (such as structural, functional, and spatial information, amino acid conservation, physicochemical variation, residue mobility, and thermodynamic stability) has been performed at Invitae for this missense variant, however the output from this modeling did not meet the statistical confidence thresholds required to predict the impact of this variant on SRP72 protein function. In summary, the available evidence is currently insufficient to determine the role of this variant in disease. Therefore, it has been classified as a Variant of Uncertain Significance.

NM_006947.4(SRP72):c.1048C>G (p.Arg350Gly)

Gene: SRP72 (signal recognition particle 72; plus strand). Cytogenetic location: 4q12.
Variant type: single nucleotide variant.
Coding change: c.1048C>G on transcript NM_006947.4 (MANE Select); coding-DNA position 1048, C replaced by G.
Protein change: p.Arg350Gly; replaces arginine 350 with glycine.
Molecular consequence: missense variant. On other transcripts: non-coding transcript variant (1).
Genome position (GRCh38, 1-based): chr4:56,484,826, C>G. VCF-style: chr4-56484826-C-G. GRCh37 (hg19) VCF-style: chr4-57350992-C-G.
Other names: c.865C>G, p.Arg289Gly (NM_001267722.2); c.1048C>G (NM_006947.3); short protein forms R350G, R289G.
Identifiers: ClinVar variation 2873570 (VCV002873570.4), dbSNP rs770251024, ClinGen allele CA2931261.